The following is an entry in ClinVar:

ClinVar aggregate classification (germline): Uncertain significance (1 of 4 stars; one submission).

Submission:

Labcorp Genetics (formerly Invitae), Labcorp
Classification: Uncertain significance. Last evaluated: 2022-12-06. Review status: criteria provided, single submitter. Criteria: Invitae Variant Classification Sherloc (09022015). Collection method: clinical testing. Allele origin: germline.
Comment: In summary, the available evidence is currently insufficient to determine the role of this variant in disease. Therefore, it has been classified as a Variant of Uncertain Significance. Advanced modeling of protein sequence and biophysical properties (such as structural, functional, and spatial information, amino acid conservation, physicochemical variation, residue mobility, and thermodynamic stability) performed at Invitae indicates that this missense variant is not expected to disrupt RTTN protein function. This variant has not been reported in the literature in individuals affected with RTTN-related conditions. This variant is not present in population databases (gnomAD no frequency). This sequence change replaces tyrosine, which is neutral and polar, with cysteine, which is neutral and slightly polar, at codon 2173 of the RTTN protein (p.Tyr2173Cys).

NM_173630.4(RTTN):c.6518A>G (p.Tyr2173Cys)

Gene: RTTN (rotatin; minus strand). Cytogenetic location: 18q22.2.
Variant type: single nucleotide variant.
Coding change: c.6518A>G on transcript NM_173630.4 (MANE Select); coding-DNA position 6518, A replaced by G.
Protein change: p.Tyr2173Cys; replaces tyrosine 2173 with cysteine.
Molecular consequence: missense variant.
Genome position (GRCh38, 1-based): chr18:70,006,388, T>C on the plus strand (A>G on the coding strand, the complement: RTTN is on the minus strand). VCF-style: chr18-70006388-T-C. GRCh37 (hg19) VCF-style: chr18-67673624-T-C.
Other names: c.3782A>G, p.Tyr1261Cys (NM_001318520.2); short protein forms Y1261C, Y2173C.
Identifiers: ClinVar variation 2103338 (VCV002103338.4), dbSNP rs2511784563, ClinGen allele CA402697049.